The following is an entry in ClinVar:

NM_001367624.2(ZNF469):c.4829G>A (p.Arg1610His)

Gene: ZNF469 (zinc finger protein 469; plus strand). Cytogenetic location: 16q24.2.
Variant type: single nucleotide variant.
Coding change: c.4829G>A on transcript NM_001367624.2 (MANE Select); coding-DNA position 4829, G replaced by A.
Protein change: p.Arg1610His; replaces arginine 1610 with histidine.
Molecular consequence: missense variant.
Genome position (GRCh38, 1-based): chr16:88,432,299, G>A. VCF-style: chr16-88432299-G-A. GRCh37 (hg19) VCF-style: chr16-88498707-G-A.
Other names: NM_001127464.1:c.4745G>A; NM_001127464.2:c.4745G>A; short protein forms R1610H.
Identifiers: ClinVar variation 284987 (VCV000284987.47), dbSNP rs567038987, ClinGen allele CA8225010.
Genomic context (GRCh38, chr16:88,432,299, plus strand): 5'-AAGCTGAGTCGGTGGGCAGGGTGGAGCTCGGCACAGGCACAGAGCCACCCTCCCAACGGC[G>A]CACCTGCCAGGCCACCGTGCCCCACGAGGACACGTTCTCGGCAGCTGACCTCACGCGCGT-3'
Protein context (NP_001354553.1, residues 1600-1620): GTGTEPPSQR[Arg1610His]TCQATVPHED

ClinVar aggregate classification (germline): Conflicting classifications of pathogenicity. Review status: criteria provided, conflicting classifications (1 of 4 stars). 5 submissions from 5 submitters: Uncertain significance (4); Likely benign (1). Last evaluated 2025-09-22.

Conditions:
ZNF469-related disorder. Also called: ZNF469-related condition.
Cardiovascular phenotype. Identifiers: MedGen CN230736.
Brittle cornea syndrome 1 (BCS1). Also called: Corneal fragility keratoglobus, blue sclerae AND joint hypermobility; DYSGENESIS MESODERMALIS CORNEAE ET SCLERAE; FRAGILITAS OCULI WITH JOINT HYPEREXTENSIBILITY; CORNEAL FRAGILITY, KERATOGLOBUS, BLUE SCLERAE, JOINT HYPEREXTENSIBILITY; EDS6B. Identifiers: Orphanet 90354, MedGen C0268344, MONDO:0024543, OMIM 229200.

Allele frequency attached by ClinVar (database versions not stated): ExAC 0.00006; gnomAD 0.00007; TOPMed 0.00007; gnomAD exomes 0.00008 and 0.00011; 1000 Genomes Project 30x 0.00016; 1000 Genomes Project 0.00020.
gnomAD v4.1: 124 of 1,547,072 alleles (0.008%); highest among the groups gnomAD compares: East Asian, 0.022%; no homozygotes.

Submissions (5):

PreventionGenetics, part of Exact Sciences
Classification: Uncertain significance for ZNF469-related condition. Last evaluated: 2025-09-22. Review status: criteria provided, single submitter. Criteria: ACMG Guidelines, 2015. Collection method: clinical testing. Allele origin: germline.
Comment: The ZNF469 c.4745G>A variant is predicted to result in the amino acid substitution p.Arg1582His. To our knowledge, this variant has not been reported in the literature. This variant is reported in 0.041% of alleles in individuals of East Asian descent in gnomAD. At this time, the clinical significance of this variant is uncertain due to the absence of conclusive functional and genetic evidence.

CeGaT Center for Human Genetics Tuebingen
Classification: Uncertain significance. Last evaluated: 2024-03-01. Review status: criteria provided, single submitter. Criteria: CeGaT Center For Human Genetics Tuebingen Variant Classification Criteria Version 2. Collection method: clinical testing. Allele origin: germline. Affected: yes. Observed: 2 variant alleles.
Comment: ZNF469: PM2, BP4

Ambry Genetics
Classification: Likely benign for Cardiovascular phenotype. Last evaluated: 2022-10-27. Review status: criteria provided, single submitter. Criteria: Ambry Variant Classification Scheme 2023. Collection method: clinical testing. Allele origin: germline.

Fulgent Genetics
Classification: Uncertain significance for Brittle cornea syndrome 1. Last evaluated: 2018-10-31. Review status: criteria provided, single submitter. Criteria: ACMG Guidelines, 2015. Collection method: clinical testing. Allele origin: unknown.

Eurofins Ntd Llc (ga)
Classification: Uncertain significance. Last evaluated: 2015-12-09. Review status: criteria provided, single submitter. Criteria: EGL Classification Definitions 2015. Collection method: clinical testing. Allele origin: germline. Observed: 1 variant allele, 1 heterozygote.